The following is an entry in ClinVar:

ClinVar aggregate classification (germline): Uncertain significance (1 of 4 stars; one submission).

gnomAD v4.1: 3 of 1,612,692 alleles (0.00019%); highest among the groups gnomAD compares: Admixed American, 0.0033%; no homozygotes.

Submission:

Women's Health and Genetics/Laboratory Corporation of America, LabCorp
Classification: Uncertain significance. Last evaluated: 2025-07-30. Review status: criteria provided, single submitter. Criteria: LabCorp Variant Classification Summary - May 2015. Collection method: clinical testing. Allele origin: germline.
Comment: Variant summary: TTN NM_133378 c.68885T>C (p.Leu22962Ser), also known as NM_001267550 c.76589T>C (p.Leu25530Ser), results in a non-conservative amino acid change in the encoded protein sequence. Algorithms developed to predict the effect of missense changes on protein structure and function all suggest that this variant is likely to be disruptive. The variant allele was found at a frequency of 4e-06 in 247704 control chromosomes. The available data on variant occurrences in the general population are insufficient to allow any conclusion about variant significance. To our knowledge, no occurrence of c.68885T>C in individuals affected with Autosomal Recessive Titinopathy and no experimental evidence demonstrating its impact on protein function have been reported. No submitters have cited clinical-significance assessments for this variant to ClinVar. Based on the evidence outlined above, the variant was classified as uncertain significance.

NM_001267550.2(TTN):c.76589T>C (p.Leu25530Ser)

Genes: TTN (titin; minus strand), TTN-AS1 (TTN antisense RNA 1; plus strand). Cytogenetic location: 2q31.2.
Variant type: single nucleotide variant.
Coding change: c.76589T>C on transcript NM_001267550.2 (MANE Select); coding-DNA position 76589, T replaced by C.
Protein change: p.Leu25530Ser; replaces leucine 25530 with serine.
Molecular consequence: missense variant.
Genome position (GRCh38, 1-based): chr2:178,569,543, A>G on the plus strand (T>C on the coding strand, the complement: TTN is on the minus strand). VCF-style: chr2-178569543-A-G. GRCh37 (hg19) VCF-style: chr2-179434270-A-G.
Other names: c.71666T>C, p.Leu23889Ser (NM_001256850.1); c.49394T>C, p.Leu16465Ser (NM_003319.4); c.68885T>C, p.Leu22962Ser (NM_133378.4); c.49769T>C, p.Leu16590Ser (NM_133432.3); c.49970T>C, p.Leu16657Ser (NM_133437.4); short protein forms L16590S, L16465S, L22962S, L16657S, L23889S, L25530S.
Identifiers: ClinVar variation 4525790 (VCV004525790.1).